The following is an entry in ClinVar:

NM_001288705.3(CSF1R):c.599C>T (p.Pro200Leu)

Gene: CSF1R (colony stimulating factor 1 receptor; minus strand). Cytogenetic location: 5q32.
Variant type: single nucleotide variant.
Coding change: c.599C>T on transcript NM_001288705.3 (MANE Select); coding-DNA position 599, C replaced by T.
Protein change: p.Pro200Leu; replaces proline 200 with leucine.
Molecular consequence: missense variant. On other transcripts: non-coding transcript variant (2).
Genome position (GRCh38, 1-based): chr5:150,078,242, G>A on the plus strand (C>T on the coding strand, the complement: CSF1R is on the minus strand). VCF-style: chr5-150078242-G-A. GRCh37 (hg19) VCF-style: chr5-149457805-G-A.
Other names: c.599C>T, p.Pro200Leu (NM_001349736.2, NM_001375320.1, NM_005211.4); c.155C>T, p.Pro52Leu (NM_001375321.1); short protein forms P200L, P52L.
Identifiers: ClinVar variation 1932508 (VCV001932508.5), dbSNP rs2481039815, ClinGen allele CA361730515.

ClinVar aggregate classification (germline): Uncertain significance (1 of 4 stars; one submission).

Allele frequency attached by ClinVar (database versions not stated): gnomAD exomes below 0.00001.
gnomAD v4.1: 1 of 1,614,026 alleles (0.000062%); no homozygotes.

Submission:

Labcorp Genetics (formerly Invitae), Labcorp
Classification: Uncertain significance. Last evaluated: 2024-01-11. Review status: criteria provided, single submitter. Criteria: Invitae Variant Classification Sherloc (09022015). Collection method: clinical testing. Allele origin: germline.
Comment: This sequence change replaces proline, which is neutral and non-polar, with leucine, which is neutral and non-polar, at codon 200 of the CSF1R protein (p.Pro200Leu). This variant is not present in population databases (gnomAD no frequency). This variant has not been reported in the literature in individuals affected with CSF1R-related conditions. ClinVar contains an entry for this variant (Variation ID: 1932508). Advanced modeling of protein sequence and biophysical properties (such as structural, functional, and spatial information, amino acid conservation, physicochemical variation, residue mobility, and thermodynamic stability) performed at Invitae indicates that this missense variant is not expected to disrupt CSF1R protein function with a negative predictive value of 95%. In summary, the available evidence is currently insufficient to determine the role of this variant in disease. Therefore, it has been classified as a Variant of Uncertain Significance.